The following is an entry in ClinVar:

NM_001376.5(DYNC1H1):c.10768A>C (p.Ile3590Leu)

Gene: DYNC1H1 (dynein cytoplasmic 1 heavy chain 1; plus strand). Cytogenetic location: 14q32.31.
Variant type: single nucleotide variant.
Coding change: c.10768A>C on transcript NM_001376.5 (MANE Select); coding-DNA position 10768, A replaced by C.
Protein change: p.Ile3590Leu; replaces isoleucine 3590 with leucine.
Molecular consequence: missense variant.
Genome position (GRCh38, 1-based): chr14:102,036,502, A>C. VCF-style: chr14-102036502-A-C. GRCh37 (hg19) VCF-style: chr14-102502839-A-C.
Other names: short protein forms I3590L.
Identifiers: ClinVar variation 1400071 (VCV001400071.8), dbSNP rs2152593630, ClinGen allele CA391029531.

ClinVar aggregate classification (germline): Uncertain significance (1 of 4 stars; one submission).

Conditions:
Charcot-Marie-Tooth disease axonal type 2O. Also called: CHARCOT-MARIE-TOOTH NEUROPATHY, AXONAL, TYPE 2O; CHARCOT-MARIE-TOOTH DISEASE, AXONAL, AUTOSOMAL DOMINANT, TYPE 2O; Charcot-Marie-Tooth Neuropathy Type 2O; Charcot-Marie-Tooth disease, axonal, type 20. Identifiers: Orphanet 284232, MedGen C3280220, MONDO:0013644, OMIM 614228.

gnomAD v4.1: 3 of 1,613,936 alleles (0.00019%); highest among the groups gnomAD compares: Admixed American, 0.0033%; no homozygotes.

Submission:

Labcorp Genetics (formerly Invitae), Labcorp
Classification: Uncertain significance for Charcot-Marie-Tooth disease axonal type 2O. Last evaluated: 2021-07-15. Review status: criteria provided, single submitter. Criteria: Invitae Variant Classification Sherloc (09022015). Collection method: clinical testing. Allele origin: germline.
Comment: This sequence change replaces isoleucine with leucine at codon 3590 of the DYNC1H1 protein (p.Ile3590Leu). The isoleucine residue is highly conserved and there is a small physicochemical difference between isoleucine and leucine. This variant is not present in population databases (ExAC no frequency). This variant has not been reported in the literature in individuals with DYNC1H1-related conditions. Algorithms developed to predict the effect of missense changes on protein structure and function are either unavailable or do not agree on the potential impact of this missense change (SIFT: "Deleterious"; PolyPhen-2: "Probably Damaging"; Align-GVGD: "Class C0"). In summary, the available evidence is currently insufficient to determine the role of this variant in disease. Therefore, it has been classified as a Variant of Uncertain Significance.